The following is an entry in ClinVar:

ClinVar aggregate classification (germline): Uncertain significance (1 of 4 stars; one submission).

Conditions:
Epilepsy. Also called: Seizure disorder. Identifiers: MedGen C0014544, MeSH D004827, MONDO:0005027.

gnomAD v4.1: 15 of 1,555,046 alleles (0.00096%); highest among the groups gnomAD compares: South Asian, 0.0024%; no homozygotes.

Submission:

Labcorp Genetics (formerly Invitae), Labcorp
Classification: Uncertain significance for Epilepsy. Last evaluated: 2024-10-17. Review status: criteria provided, single submitter. Criteria: Invitae Variant Classification Sherloc (09022015). Collection method: clinical testing. Allele origin: germline.
Comment: This sequence change affects codon 314 of the PIGQ mRNA. It is a 'silent' change, meaning that it does not change the encoded amino acid sequence of the PIGQ protein. It affects a nucleotide within the consensus splice site. The frequency data for this variant in the population databases is considered unreliable, as metrics indicate poor data quality at this position in the gnomAD database. This variant has not been reported in the literature in individuals affected with PIGQ-related conditions. ClinVar contains an entry for this variant (Variation ID: 2199583). Algorithms developed to predict the effect of sequence changes on RNA splicing suggest that this variant is not likely to affect RNA splicing. In summary, the available evidence is currently insufficient to determine the role of this variant in disease. Therefore, it has been classified as a Variant of Uncertain Significance.

NM_004204.5(PIGQ):c.942C>T (p.Asp314=)

Gene: PIGQ (phosphatidylinositol glycan anchor biosynthesis class Q; plus strand). Cytogenetic location: 16p13.3.
Variant type: single nucleotide variant.
Coding change: c.942C>T on transcript NM_004204.5 (MANE Select); coding-DNA position 942, C replaced by T.
Protein change: p.Asp314=; no amino-acid change (aspartic acid 314 retained).
Molecular consequence: synonymous variant.
Genome position (GRCh38, 1-based): chr16:576,254, C>T. VCF-style: chr16-576254-C-T. GRCh37 (hg19) VCF-style: chr16-626254-C-T.
Other names: c.942C>T, p.Asp314= (NM_148920.4).
Identifiers: ClinVar variation 2199583 (VCV002199583.3), dbSNP rs762076149, ClinGen allele CA7780031.